The following is an entry in ClinVar:

ClinVar aggregate classification (germline): Benign. Review status: criteria provided, multiple submitters, no conflicts (2 of 4 stars). 5 submissions from 5 submitters: Benign (5). Last evaluated 2026-01-25.

Conditions:
Gray platelet syndrome (GPS). Also called: BLEEDING DISORDER, PLATELET-TYPE, 4. Identifiers: Orphanet 721, MedGen C0272302, MONDO:0007686, OMIM 139090.

Allele frequency attached by ClinVar (database versions not stated): gnomAD exomes 0.00180; ExAC 0.00225; 1000 Genomes Project 0.00679; gnomAD 0.00684 and 0.00742; ESP Exome Variant Server 0.00699; 1000 Genomes Project 30x 0.00734; TOPMed 0.00816.
gnomAD v4.1: 2,033 of 1,598,494 alleles (0.13%); highest among the groups gnomAD compares: African/African-American, 2.4%; 22 homozygotes.

Submissions (5):

Labcorp Genetics (formerly Invitae), Labcorp
Classification: Benign. Last evaluated: 2026-01-25. Review status: criteria provided, single submitter. Criteria: Invitae Variant Classification Sherloc (09022015). Collection method: clinical testing. Allele origin: germline.

Mayo Clinic Laboratories, Mayo Clinic
Classification: Benign. Last evaluated: 2023-10-27. Review status: criteria provided, single submitter. Criteria: ACMG Guidelines, 2015. Collection method: clinical testing. Allele origin: germline. Observed: 3 variant alleles.

Genetic Services Laboratory, University of Chicago
Classification: Benign. Last evaluated: 2019-02-19. Review status: criteria provided, single submitter. Criteria: ACMG Guidelines, 2015. Collection method: clinical testing. Allele origin: germline. Affected: no.

Illumina Laboratory Services, Illumina
Classification: Benign for Gray platelet syndrome. Last evaluated: 2018-01-12. Review status: criteria provided, single submitter. Criteria: ICSL Variant Classification Criteria 13 December 2019. Collection method: clinical testing. Allele origin: germline.
Comment: This variant was observed in the ICSL laboratory as part of a predisposition screen in an ostensibly healthy population. It had not been previously curated by ICSL or reported in the Human Gene Mutation Database (HGMD: prior to June 1st, 2018), and was therefore a candidate for classification through an automated scoring system. Utilizing variant allele frequency, disease prevalence and penetrance estimates, and inheritance mode, an automated score was calculated to assess if this variant is too frequent to cause the disease. Based on the score and internal cut-off values, a variant classified as benign is not then subjected to further curation. The score for this variant resulted in a classification of benign for this disease.

Breakthrough Genomics
Classification: Benign. Review status: criteria provided, single submitter. Criteria: ACMG Guidelines, 2015. Collection method: not provided. Allele origin: germline. Inheritance: Autosomal recessive inheritance. Affected: yes.

NM_015175.3(NBEAL2):c.4257G>A (p.Pro1419=)

Gene: NBEAL2 (neurobeachin like 2; plus strand). Cytogenetic location: 3p21.31.
Variant type: single nucleotide variant.
Coding change: c.4257G>A on transcript NM_015175.3 (MANE Select); coding-DNA position 4257, G replaced by A.
Protein change: p.Pro1419=; no amino-acid change (proline 1419 retained).
Molecular consequence: synonymous variant.
Genome position (GRCh38, 1-based): chr3:47,000,356, G>A. VCF-style: chr3-47000356-G-A. GRCh37 (hg19) VCF-style: chr3-47041846-G-A.
Other names: p.Pro1419=; c.4155G>A, p.Pro1385= (NM_001365116.2).
Identifiers: ClinVar variation 345663 (VCV000345663.15), dbSNP rs116791394, ClinGen allele CA2361185.